The following is an entry in ClinVar:

ClinVar aggregate classification (germline): Benign/Likely benign. Review status: criteria provided, multiple submitters, no conflicts (2 of 4 stars). 9 submissions from 9 submitters: Benign (7); Likely benign (1). 1 of the submissions does not count toward it. Last evaluated 2025-03-24.

Conditions:
H syndrome. Also called: Histiocytosis with joint contractures and sensorineural deafness; FAISALABAD HISTIOCYTOSIS; HISTIOCYTOSIS AND LYMPHADENOPATHY WITH OR WITHOUT CUTANEOUS, CARDIAC, AND/OR ENDOCRINE FEATURES, JOINT CONTRACTURES, AND/OR DEAFNESS; HYPERPIGMENTATION, CUTANEOUS, WITH HYPERTRICHOSIS, HEPATOSPLENOMEGALY, HEART ANOMALIES, AND HYPOGONADISM WITH OR WITHOUT HEARING LOSS; PIGMENTED HYPERTRICHOSIS WITH INSULIN-DEPENDENT DIABETES MELLITUS; ROSAI-DORFMAN DISEASE, FAMILIAL. Identifiers: Orphanet 168569, MedGen C1864445, MONDO:0011273, OMIM 602782.

Allele frequency attached by ClinVar (database versions not stated): 1000 Genomes Project 0.76018; 1000 Genomes Project 30x 0.76374; gnomAD exomes 0.81838 and 0.86608; ExAC 0.82174; TOPMed 0.83218; gnomAD 0.84172 and 0.84751; ESP Exome Variant Server 0.86160.
gnomAD v4.1: 1,394,055 of 1,613,592 alleles (86%); highest among the groups gnomAD compares: Middle Eastern, 91%; 606,088 homozygotes.

Submissions (9):

Labcorp Genetics (formerly Invitae), Labcorp
Classification: Benign for H syndrome. Last evaluated: 2025-03-24. Review status: criteria provided, single submitter. Criteria: Invitae Variant Classification Sherloc (09022015). Collection method: clinical testing. Allele origin: germline.

Blueprint Genetics
Classification: Likely benign. Last evaluated: 2024-11-27. Review status: criteria provided, single submitter. Criteria: ACMG Guidelines, 2015. Collection method: clinical testing. Allele origin: germline.

Unidad de Genómica Garrahan, Hospital de Pediatría Garrahan
Classification: Benign. Last evaluated: 2023-11-12. Review status: criteria provided, single submitter. Criteria: ACMG Guidelines, 2015. Collection method: clinical testing. Allele origin: germline. Affected: no. Observed: 90 variant alleles.
Comment: This variant is classified as Benign based on local population frequency. This variant was detected in 94% of patients studied by a panel of primary immunodeficiencies. Number of patients: 90. Only high quality variants are reported.

Mayo Clinic Laboratories, Mayo Clinic
Classification: Benign. Last evaluated: 2022-11-10. Review status: criteria provided, single submitter. Criteria: ACMG Guidelines, 2015. Collection method: clinical testing. Allele origin: germline. Observed: 486 variant alleles.

Genome-Nilou Lab
Classification: Benign for H syndrome. Last evaluated: 2021-07-15. Review status: criteria provided, single submitter. Criteria: ACMG Guidelines, 2015. Collection method: clinical testing. Allele origin: germline. Affected: no.

GeneDx
Classification: Benign. Last evaluated: 2020-10-21. Review status: criteria provided, single submitter. Criteria: GeneDx Variant Classification Process June 2021. Collection method: clinical testing. Allele origin: germline. Affected: yes.

Illumina Laboratory Services, Illumina
Classification: Benign for H syndrome. Last evaluated: 2018-01-13. Review status: criteria provided, single submitter. Criteria: ICSL Variant Classification Criteria 13 December 2019. Collection method: clinical testing. Allele origin: germline.
Comment: This variant was observed in the ICSL laboratory as part of a predisposition screen in an ostensibly healthy population. It had not been previously curated by ICSL or reported in the Human Gene Mutation Database (HGMD: prior to June 1st, 2018), and was therefore a candidate for classification through an automated scoring system. Utilizing variant allele frequency, disease prevalence and penetrance estimates, and inheritance mode, an automated score was calculated to assess if this variant is too frequent to cause the disease. Based on the score and internal cut-off values, a variant classified as benign is not then subjected to further curation. The score for this variant resulted in a classification of benign for this disease.

Breakthrough Genomics
Classification: Benign. Review status: criteria provided, single submitter. Criteria: ACMG Guidelines, 2015. Collection method: not provided. Allele origin: germline. Inheritance: Autosomal recessive inheritance. Affected: yes.

Genetic Services Laboratory, University of Chicago
Classification: Likely benign for AllHighlyPenetrant. Review status: no assertion criteria provided. Collection method: clinical testing. Allele origin: germline. Inheritance: Autosomal recessive inheritance. Not counted in ClinVar's aggregate classification.
Comment: Likely benign based on allele frequency in 1000 Genomes Project or ESP global frequency and its presence in a patient with a rare or unrelated disease phenotype. NOT Sanger confirmed.

NM_018344.6(SLC29A3):c.715G>A (p.Val239Ile)

Gene: SLC29A3 (solute carrier family 29 member 3; plus strand). Cytogenetic location: 10q22.1.
Variant type: single nucleotide variant.
Coding change: c.715G>A on transcript NM_018344.6 (MANE Select); coding-DNA position 715, G replaced by A.
Protein change: p.Val239Ile; replaces valine 239 with isoleucine.
Molecular consequence: missense variant. On other transcripts: non-coding transcript variant (2).
Genome position (GRCh38, 1-based): chr10:71,356,185, G>A. VCF-style: chr10-71356185-G-A. GRCh37 (hg19) VCF-style: chr10-73115942-G-A.
Other names: c.715G>A, p.Val239Ile (NM_001174098.2); c.481G>A, p.Val161Ile (NM_001363518.2); short protein forms V239I, V161I.
Identifiers: ClinVar variation 130344 (VCV000130344.24), dbSNP rs2252996, ClinGen allele CA155246.